The following is an entry in ClinVar:

ClinVar aggregate classification (germline): Conflicting classifications of pathogenicity. Review status: criteria provided, conflicting classifications (1 of 4 stars). 7 submissions from 7 submitters: Uncertain significance (5); Likely benign (1). 1 of the submissions does not count toward it. Last evaluated 2026-03-18.

Conditions:
PCDH15-related disorder. Also called: PCDH15-related condition; PCDH15-related disorders.
Usher syndrome type 1F (USH1F). Also called: USHER SYNDROME, TYPE IF. Identifiers: Orphanet 231169, Orphanet 886, MedGen C1865885, MONDO:0011186, OMIM 602083.
Inborn genetic diseases. Identifiers: MedGen C0950123, MeSH D030342.

Allele frequency attached by ClinVar (database versions not stated): gnomAD exomes 0.00003 and 0.00009; ExAC 0.00012; 1000 Genomes Project 0.00020; gnomAD 0.00026 and 0.00027; TOPMed 0.00030; 1000 Genomes Project 30x 0.00031; ESP Exome Variant Server 0.00046.
gnomAD v4.1: 87 of 1,610,394 alleles (0.0054%); highest among the groups gnomAD compares: African/African-American, 0.096%; no homozygotes.

Submissions (7):

PreventionGenetics, part of Exact Sciences
Classification: Uncertain significance for PCDH15-related condition. Last evaluated: 2026-03-18. Review status: criteria provided, single submitter. Criteria: ACMG Guidelines, 2015. Collection method: clinical testing. Allele origin: germline.
Comment: The PCDH15 c.2908G>A variant is predicted to result in the amino acid substitution p.Val970Ile. To our knowledge, this variant has not been reported in the literature. This variant is reported in 0.11% of alleles in individuals of African descent in gnomAD. At this time, the clinical significance of this variant is uncertain due to the absence of conclusive functional and genetic evidence.

Labcorp Genetics (formerly Invitae), Labcorp
Classification: Likely benign. Last evaluated: 2026-01-28. Review status: criteria provided, single submitter. Criteria: Invitae Variant Classification Sherloc (09022015). Collection method: clinical testing. Allele origin: germline.

Blueprint Genetics
Classification: Uncertain significance. Last evaluated: 2023-07-27. Review status: criteria provided, single submitter. Criteria: ACMG Guidelines, 2015. Collection method: clinical testing. Allele origin: germline.

Ambry Genetics
Classification: Uncertain significance for Inborn genetic diseases. Last evaluated: 2021-09-27. Review status: criteria provided, single submitter. Criteria: Ambry Variant Classification Scheme 2023. Collection method: clinical testing. Allele origin: germline.

ARUP Laboratories, Molecular Genetics and Genomics, ARUP Laboratories
Classification: Uncertain significance. Last evaluated: 2018-05-09. Review status: criteria provided, single submitter. Criteria: ARUP Molecular Germline Variant Investigation Process. Collection method: clinical testing. Allele origin: germline.
Comment: The p.Val970Ile variant (rs138338096) has not been reported in the medical literature, gene specific variation databases, nor has it been previously identified by our laboratory. This variant is listed in the Genome Aggregation Database (gnomAD) with a frequency of 0.1 percent in the African population (identified on 29 out of 24,028 chromosomes) and has been reported to the ClinVar database (Variation ID: 286958). The valine at position 970 is moderately conserved considering 12 species and computational analyses of the p.Val970Ile variant on protein structure and function indicate a neutral effect (SIFT: tolerated, PolyPhen-2: benign). Altogether, there is not enough evidence to classify the p.Val970Ile variant with certainty.

Eurofins Ntd Llc (ga)
Classification: Uncertain significance. Last evaluated: 2016-04-07. Review status: criteria provided, single submitter. Criteria: EGL Classification Definitions 2015. Collection method: clinical testing. Allele origin: germline. Observed: 1 variant allele.

Natera, Inc.
Classification: Uncertain significance for Usher syndrome type 1F. Last evaluated: 2020-02-26. Review status: no assertion criteria provided. Collection method: clinical testing. Allele origin: germline. Not counted in ClinVar's aggregate classification.

NM_001384140.1(PCDH15):c.2908G>A (p.Val970Ile)

Gene: PCDH15 (protocadherin related 15; minus strand). Cytogenetic location: 10q21.1.
Variant type: single nucleotide variant.
Coding change: c.2908G>A on transcript NM_001384140.1 (MANE Select); coding-DNA position 2908, G replaced by A.
Protein change: p.Val970Ile; replaces valine 970 with isoleucine.
Molecular consequence: missense variant.
Genome position (GRCh38, 1-based): chr10:53,961,853, C>T on the plus strand (G>A on the coding strand, the complement: PCDH15 is on the minus strand). VCF-style: chr10-53961853-C-T. GRCh37 (hg19) VCF-style: chr10-55721613-C-T.
Other names: c.2923G>A, p.Val975Ile (NM_001142763.2, NM_001142771.2); c.2908G>A, p.Val970Ile (NM_001142764.2, NM_001142766.2, NM_001142770.3 and 4 more transcripts); c.2695G>A, p.Val899Ile (NM_001142765.2); c.2797G>A, p.Val933Ile (NM_001142767.2); c.2842G>A, p.Val948Ile (NM_001142768.2, NM_001142773.2, NM_001354404.2); c.2944G>A, p.Val982Ile (NM_001142769.4); c.2929G>A, p.Val977Ile (NM_001354411.2); short protein forms V975I, V970I, V982I, V948I, V933I, V899I, V977I.
Identifiers: ClinVar variation 286958 (VCV000286958.21), dbSNP rs138338096, ClinGen allele CA5505878.